The following is an entry in ClinVar:

NM_004304.5(ALK):c.2506G>C (p.Val836Leu)

Gene: ALK (ALK receptor tyrosine kinase; minus strand). Cytogenetic location: 2p23.2.
Variant type: single nucleotide variant.
Coding change: c.2506G>C on transcript NM_004304.5 (MANE Select); coding-DNA position 2506, G replaced by C.
Protein change: p.Val836Leu; replaces valine 836 with leucine.
Molecular consequence: missense variant.
Genome position (GRCh38, 1-based): chr2:29,232,430, C>G on the plus strand (G>C on the coding strand, the complement: ALK is on the minus strand). VCF-style: chr2-29232430-C-G. GRCh37 (hg19) VCF-style: chr2-29455296-C-G.
Other names: c.2506G>C (NM_004304.4); short protein forms V836L.
Identifiers: ClinVar variation 2154594 (VCV002154594.5), dbSNP rs142641078, ClinGen allele CA1594278.

ClinVar aggregate classification (germline): Uncertain significance. Review status: criteria provided, multiple submitters, no conflicts (2 of 4 stars). 2 submissions from 2 submitters: Uncertain significance (2). Last evaluated 2026-01-03.

Conditions:
Neuroblastoma, susceptibility to, 3. Also called: ALK-Related Neuroblastic Tumor Susceptibility. Identifiers: Orphanet 635, MedGen C2751681, MONDO:0013083, OMIM 613014.
Hereditary cancer-predisposing syndrome. Also called: Hereditary neoplastic syndrome; Neoplastic Syndromes, Hereditary; Tumor predisposition; Hereditary Cancer Syndrome. Identifiers: Orphanet 140162, MedGen C0027672, MeSH D009386, MONDO:0015356.

Allele frequency attached by ClinVar (database versions not stated): TOPMed below 0.00001; ExAC 0.00001; ESP Exome Variant Server 0.00008.

Submissions (2):

Ambry Genetics
Classification: Uncertain significance for Hereditary cancer-predisposing syndrome. Last evaluated: 2026-01-03. Review status: criteria provided, single submitter. Criteria: Ambry Variant Classification Scheme 2023. Collection method: clinical testing. Allele origin: germline.
Comment: The p.V836L variant (also known as c.2506G>C), located in coding exon 15 of the ALK gene, results from a G to C substitution at nucleotide position 2506. The valine at codon 836 is replaced by leucine, an amino acid with highly similar properties. This amino acid position is conserved. In addition, this alteration is predicted to be tolerated by in silico analysis. Based on the available evidence, the clinical significance of this variant remains unclear.

Labcorp Genetics (formerly Invitae), Labcorp
Classification: Uncertain significance for Neuroblastoma, susceptibility to, 3. Last evaluated: 2022-06-12. Review status: criteria provided, single submitter. Criteria: Invitae Variant Classification Sherloc (09022015). Collection method: clinical testing. Allele origin: germline.
Comment: In summary, the available evidence is currently insufficient to determine the role of this variant in disease. Therefore, it has been classified as a Variant of Uncertain Significance. Algorithms developed to predict the effect of missense changes on protein structure and function are either unavailable or do not agree on the potential impact of this missense change (SIFT: "Deleterious"; PolyPhen-2: "Benign"; Align-GVGD: "Class C25"). This variant has not been reported in the literature in individuals affected with ALK-related conditions. This variant is present in population databases (rs142641078, gnomAD 0.007%). This sequence change replaces valine, which is neutral and non-polar, with leucine, which is neutral and non-polar, at codon 836 of the ALK protein (p.Val836Leu).